The following is an entry in ClinVar:

ClinVar aggregate classification (germline): Uncertain significance (1 of 4 stars; one submission).

Submission:

Labcorp Genetics (formerly Invitae), Labcorp
Classification: Uncertain significance. Last evaluated: 2025-04-19. Review status: criteria provided, single submitter. Criteria: Invitae Variant Classification Sherloc (09022015). Collection method: clinical testing. Allele origin: germline.
Comment: This sequence change replaces proline, which is neutral and non-polar, with threonine, which is neutral and polar, at codon 681 of the MYLK3 protein (p.Pro681Thr). This variant is not present in population databases (gnomAD no frequency). This variant has not been reported in the literature in individuals affected with MYLK3-related conditions. An algorithm developed to predict the effect of missense changes on protein structure and function (PolyPhen-2) suggests that this variant is likely to be disruptive. In summary, the available evidence is currently insufficient to determine the role of this variant in disease. Therefore, it has been classified as a Variant of Uncertain Significance.

NM_182493.3(MYLK3):c.2041C>A (p.Pro681Thr)

Gene: MYLK3 (myosin light chain kinase 3; minus strand). Cytogenetic location: 16q11.2.
Variant type: single nucleotide variant.
Coding change: c.2041C>A on transcript NM_182493.3 (MANE Select); coding-DNA position 2041, C replaced by A.
Protein change: p.Pro681Thr; replaces proline 681 with threonine.
Molecular consequence: missense variant.
Genome position (GRCh38, 1-based): chr16:46,712,721, G>T on the plus strand (C>A on the coding strand, the complement: MYLK3 is on the minus strand). VCF-style: chr16-46712721-G-T. GRCh37 (hg19) VCF-style: chr16-46746633-G-T.
Other names: c.1018C>A, p.Pro340Thr (NM_001308301.1); short protein forms P681T, P340T.
Identifiers: ClinVar variation 4717404 (VCV004717404.1).
Genomic context (GRCh38, chr16:46,712,721, plus strand): 5'-TGACTCCCACACTCCACATGTCTGTGGGGAATGAGACAAACTCATAATTGACGACTTCTG[G>T]GGCCAGGAACTCAGGAGTGCCGAAGTTCACCTTCAGCTTCTCTCGAGGCTTGTACCTGGG-3'
Protein context (NP_872299.2, residues 671-691): VNFGTPEFLA[Pro681Thr]EVVNYEFVSF